The following is an entry in ClinVar:

ClinVar aggregate classification (germline): Conflicting classifications of pathogenicity. Review status: criteria provided, conflicting classifications (1 of 4 stars). 16 submissions from 16 submitters: Likely pathogenic (4); Uncertain significance (12). Last evaluated 2026-02-05.

Conditions:
ATM-related disorder. Also called: ATM-related disorders; ATM-related condition.
Hereditary cancer-predisposing syndrome. Also called: Neoplastic Syndromes, Hereditary; Hereditary Cancer Syndrome; Tumor predisposition; Hereditary neoplastic syndrome. Identifiers: Orphanet 140162, MedGen C0027672, MeSH D009386, MONDO:0015356.
Hereditary breast ovarian cancer syndrome. Also called: BRCA1- and BRCA2-Associated Hereditary Breast and Ovarian Cancer; Hereditary breast and ovarian cancer syndrome; Hereditary breast and ovarian cancer syndrome (HBOC); Hereditary breast and/or ovarian cancer syndrome; Hereditary breast and ovarian cancer; Breast and ovarian cancer. Identifiers: Orphanet 145, MedGen C0677776, MeSH D061325, MONDO:0003582. Disease mechanism: loss of function.
Familial cancer of breast. Also called: BREAST CANCER, FAMILIAL; hereditary breast carcinoma; Hereditary breast cancer. Identifiers: Orphanet 227535, MedGen C0346153, MONDO:0016419, OMIM 114480. Disease mechanism: loss of function.
Ataxia-telangiectasia syndrome (AT). Also called: Ataxia-telangiectasia, complementation group D; AT, COMPLEMENTATION GROUP C; Ataxia-telangiectasia; ATAXIA-TELANGIECTASIA, COMPLEMENTATION GROUP A; ATAXIA-TELANGIECTASIA, FRESNO VARIANT; Ataxia-telangiectasia, complementation group E. Identifiers: Orphanet 100, MedGen C0004135, MONDO:0008840, OMIM 208900.

Allele frequency attached by ClinVar (database versions not stated): gnomAD exomes 0.00001; TOPMed below 0.00001; ExAC 0.00001; gnomAD 0.00001.
gnomAD v4.1: 10 of 1,614,012 alleles (0.00062%); highest among the groups gnomAD compares: South Asian, 0.0022%; no homozygotes.

Submissions 1 to 6 of 16:

PreventionGenetics, part of Exact Sciences
Classification: Uncertain significance for ATM-related condition. Last evaluated: 2026-02-05. Review status: criteria provided, single submitter. Criteria: ACMG Guidelines, 2015. Collection method: clinical testing. Allele origin: germline.
Comment: The ATM c.7328G>A variant is predicted to result in the amino acid substitution p.Arg2443Gln. This variant was reported in individuals with breast and/or ovarian cancer and/or hereditary nonpolyposis colorectal cancer (HNPCC) (Singh et al 2018. PubMed ID: 29470806; Velázquez C et al 2020. PubMed ID: 32522261). However, this variant was also identified in control individuals in large-scale studies of hereditary breast cancer and biliary tract cancer (Momozawa et al. 2018. PubMed ID: 30287823; Okawa et al. 2022. PubMed ID: 36243179). This variant is reported in 0.0033% of alleles in individuals of South Asian descent in gnomAD, and has conflicting interpretations of pathogenicity in ClinVar ranging from uncertain significance to likely pathogenic (Variation ID: 142211). At this time, the clinical significance of this variant is uncertain due to the absence of conclusive functional and genetic evidence.

Labcorp Genetics (formerly Invitae), Labcorp
Classification: Uncertain significance for Ataxia-telangiectasia syndrome. Last evaluated: 2026-02-03. Review status: criteria provided, single submitter. Criteria: Invitae Variant Classification Sherloc (09022015). Collection method: clinical testing. Allele origin: germline.
Comment: This sequence change replaces arginine, which is basic and polar, with glutamine, which is neutral and polar, at codon 2443 of the ATM protein (p.Arg2443Gln). This variant is present in population databases (rs587782310, gnomAD 0.003%). This missense change has been observed in individual(s) with ataxia-telangiectasia and/or breast cancer (PMID: 29470806, 29522266, 32366930, 37201465, 38570878, 38843839). In at least one individual the data is consistent with being in trans (on the opposite chromosome) from a pathogenic variant. ClinVar contains an entry for this variant (Variation ID: 142211). Invitae Evidence Modeling of protein sequence and biophysical properties (such as structural, functional, and spatial information, amino acid conservation, physicochemical variation, residue mobility, and thermodynamic stability) has been performed for this missense variant. However, the output from this modeling did not meet the statistical confidence thresholds required to predict the impact of this variant on ATM protein function. In summary, the available evidence is currently insufficient to determine the role of this variant in disease. Therefore, it has been classified as a Variant of Uncertain Significance.

Women's Health and Genetics/Laboratory Corporation of America, LabCorp
Classification: Uncertain significance. Last evaluated: 2026-02-02. Review status: criteria provided, single submitter. Criteria: LabCorp Variant Classification Summary - May 2015. Collection method: clinical testing. Allele origin: germline.
Comment: Variant summary: ATM c.7328G>A (p.Arg2443Gln) results in a conservative amino acid change located in the FAT domain profile (IPR014009) of the encoded protein sequence. Algorithms developed to predict the effect of missense changes on protein structure and function are either unavailable or do not agree on the potential impact of this missense change. c.7328G>A has been reported in the presumed compound heterozygous or homozygous state in at least 2 individuals in the literature affected with clinical features of autosomal recessive Ataxia-Telangiectasia (example, Mahdieh_2024, McGrath-Morrow_2020, Kim_2016) and has also been reported in the presumed heterozygous state in multiple individuals with hereditary cancers (example, Arranz-Ledo_2023, Singh_2018, Velzquez_2020, Wei_2019, Hauke_2018). These data indicate that the variant may be associated with disease. To our knowledge, no experimental evidence demonstrating an impact on protein function has been reported. The following publications have been ascertained in the context of this evaluation (PMID: 37201465, 38570878, 32366930, 29470806, 32522261, 31248605, 29522266, 37438524). ClinVar contains an entry for this variant (Variation ID: 142211). Based on the evidence outlined above, the variant was classified as VUS-possibly pathogenic.

Ambry Genetics
Classification: Likely pathogenic for Hereditary cancer-predisposing syndrome. Last evaluated: 2025-12-05. Review status: criteria provided, single submitter. Criteria: Ambry Variant Classification Scheme 2023. Collection method: clinical testing. Allele origin: germline.
Comment: The p.R2443Q variant (also known as c.7328G>A), located in coding exon 49 of the ATM gene, results from a G to A substitution at nucleotide position 7328. The arginine at codon 2443 is replaced by glutamine, an amino acid with highly similar properties. This variant has been identified in conjunction with another ATM pathogenic variant in multiple individuals with features consistent with Ataxia Telangiectasia (Kim J et al 2023 Nature 2023 Jul;619(7971):828-836; External communication). This alteration was also detected in 1/5589 German BRCA1/2-negative probands with breast cancer (Hauke J et al. Cancer Med, 2018 04;7:1349-1358) and in a study of 1010 unrelated Indian patients with breast and/or ovarian cancer (Singh J et al. Breast Cancer Res Treat, 2018 Jul;170:189-196). This alteration was detected in a cohort of 72 hereditary breast/ovarian cancer cases and 57 hereditary non-polyposis colon cancer cases from Spain (Vel&aacute;zquez C et al. J Transl Med, 2020 Jun;18:232). This amino acid position is highly conserved in available vertebrate species. In addition, the in silico prediction for this alteration is inconclusive. Based on the majority of available evidence to date, this variant is likely to be pathogenic.

Natera, Inc.
Classification: Likely pathogenic for Ataxia-telangiectasia. Last evaluated: 2025-12-01. Review status: criteria provided, single submitter. Criteria: Natera Variant Classification Schema (03/2026). Collection method: clinical testing. Allele origin: germline.
Comment: The c.7328G>A variant in ATM is a missense variant predicted to cause substitution of arginine to glutamine at amino acid 2443. This variant is rare in the general population with a frequency below the threshold expected for the associated phenotype(s). This variant has been observed in one or more individuals affected with the associated recessive disease, as either homozygous or compound heterozygous with a second variant (PMID: 38570878, 39521281). This variant has been identified in one or more affected individual with a phenotype highly consistent with the associated gene (PMID: 38570878, 39521281). Computational prediction algorithms indicate this variant is likely to affect gene or protein function. Given the available evidence, this variant is classified as Likely Pathogenic.

German Consortium for Hereditary Breast and Ovarian Cancer, University Hospital Cologne
Classification: Uncertain significance for Hereditary breast ovarian cancer syndrome. Last evaluated: 2025-09-09. Review status: criteria provided, single submitter. Criteria: ClinGen ATM V1.4.0. Collection method: curation. Allele origin: germline.
Comment: This classification follows the ClinGen ACMG ATM v1.4.0 classification scheme; We chose this criterion: PM3 (medium pathogenic): PM3_sup --> 2 Pat. mit consistent phenotype (ataxia) (1.0 +1.0 pts) McGrath-Morrow 2020: 1 Pat. 33yrs mit milder AT (AT001) mit pathogener c.7638_7646delTAGAATTTC; ataxia <8yrs, AFP: 36.8ng/mL; (DDP_ATCP_299) mit putativ comp. het. c.7638_7646del p.Arg2547_Ser2549del; als VUS, WGS, keine 2. Kandidaten-Variante; AT diagnosis at 32yrs, first neurol symp <2yrs Mahdieh 2024: 1 Pat. (#42) hom. mit AT (keine sonstigen klinischen Angaben)

NM_000051.4(ATM):c.7328G>A (p.Arg2443Gln)

Genes: ATM (ATM serine/threonine kinase; plus strand), C11orf65 (chromosome 11 open reading frame 65; minus strand). Cytogenetic location: 11q22.3.
Variant type: single nucleotide variant.
Coding change: c.7328G>A on transcript NM_000051.4 (MANE Select); coding-DNA position 7328, G replaced by A.
Protein change: p.Arg2443Gln; replaces arginine 2443 with glutamine.
Molecular consequence: missense variant. On other transcripts: intron variant (2).
Genome position (GRCh38, 1-based): chr11:108,330,234, G>A. VCF-style: chr11-108330234-G-A. GRCh37 (hg19) VCF-style: chr11-108200961-G-A.
Other names: c.7328G>A, p.Arg2443Gln (NM_001351834.2); c.641-21163C>T (NM_001330368.2); c.*38+4986C>T (NM_001351110.2); short protein forms R2443Q.
Identifiers: ClinVar variation 142211 (VCV000142211.52), dbSNP rs587782310, ClinGen allele CA167770.